The following is an entry in ClinVar:

NM_004999.4(MYO6):c.553+5T>C

Gene: MYO6 (myosin VI; plus strand). Cytogenetic location: 6q14.1.
Variant type: single nucleotide variant.
Coding change: c.553+5T>C on transcript NM_004999.4 (MANE Select); 5 bases into the intron after coding-DNA position 553, T replaced by C.
Molecular consequence: intron variant.
Genome position (GRCh38, 1-based): chr6:75,835,961, T>C. VCF-style: chr6-75835961-T-C. GRCh37 (hg19) VCF-style: chr6-76545678-T-C.
Other names: c.553+5T>C (NM_001368865.1, NM_001368866.1, NM_001368137.1 and 5 more transcripts).
Identifiers: ClinVar variation 4729565 (VCV004729565.1).

ClinVar aggregate classification (germline): Uncertain significance (1 of 4 stars; one submission).

Submission:

Labcorp Genetics (formerly Invitae), Labcorp
Classification: Uncertain significance. Last evaluated: 2025-10-21. Review status: criteria provided, single submitter. Criteria: Invitae Variant Classification Sherloc (09022015). Collection method: clinical testing. Allele origin: germline.
Comment: This sequence change falls in intron 7 of the MYO6 gene. It does not directly change the encoded amino acid sequence of the MYO6 protein. It affects a nucleotide within the consensus splice site. This variant is not present in population databases (gnomAD no frequency). This variant has not been reported in the literature in individuals affected with MYO6-related conditions. Variants that disrupt the consensus splice site are a relatively common cause of aberrant splicing (PMID: 17576681, 9536098). Algorithms developed to predict the effect of sequence changes on RNA splicing suggest that this variant is not likely to affect RNA splicing. In summary, the available evidence is currently insufficient to determine the role of this variant in disease. Therefore, it has been classified as a Variant of Uncertain Significance.

Literature cited by the submitters: PubMed 17576681; PubMed 9536098.